The following is an entry in ClinVar:

ClinVar aggregate classification (germline): Benign. Review status: criteria provided, multiple submitters, no conflicts (2 of 4 stars). 3 submissions from 3 submitters: Benign (2). 1 of the submissions does not count toward it. Last evaluated 2026-01-21.

Conditions:
STAG2-related disorder. Also called: STAG2-Related Disorders.

Allele frequency attached by ClinVar (database versions not stated): gnomAD exomes 0.00060 and 0.00170; ExAC 0.00210; gnomAD 0.00581 and 0.00606; TOPMed 0.00676; 1000 Genomes Project 0.00768; ESP Exome Variant Server 0.00805; 1000 Genomes Project 30x 0.00832.
gnomAD v4.1: 1,336 of 1,208,784 alleles (0.11%); highest among the groups gnomAD compares: African/African-American, 2.1%; 14 homozygotes.

Submissions (3):

Labcorp Genetics (formerly Invitae), Labcorp
Classification: Benign. Last evaluated: 2026-01-21. Review status: criteria provided, single submitter. Criteria: Invitae Variant Classification Sherloc (09022015). Collection method: clinical testing. Allele origin: germline.

Breakthrough Genomics
Classification: Benign. Review status: criteria provided, single submitter. Criteria: ACMG Guidelines, 2015. Collection method: not provided. Allele origin: germline. Inheritance: X-linked inheritance. Affected: yes.

PreventionGenetics, part of Exact Sciences
Classification: Benign for STAG2-related condition. Last evaluated: 2019-09-30. Review status: no assertion criteria provided. Collection method: clinical testing. Allele origin: germline. Not counted in ClinVar's aggregate classification.
Comment: This variant is classified as benign based on ACMG/AMP sequence variant interpretation guidelines (Richards et al. 2015 PMID: 25741868, with internal and published modifications).

NM_001042750.2(STAG2):c.3360A>G (p.Gln1120=)

Gene: STAG2 (STAG2 cohesin complex component; plus strand). Cytogenetic location: Xq25.
Variant type: single nucleotide variant.
Coding change: c.3360A>G on transcript NM_001042750.2 (MANE Select); coding-DNA position 3360, A replaced by G.
Protein change: p.Gln1120=; no amino-acid change (glutamine 1120 retained).
Molecular consequence: synonymous variant.
Genome position (GRCh38, 1-based): chrX:124,090,657, A>G. VCF-style: chrX-124090657-A-G. GRCh37 (hg19) VCF-style: chrX-123224507-A-G.
Other names: c.3360A>G, p.Gln1120= (NM_001042749.2, NM_001042751.2, NM_001282418.2 and 1 more transcripts).
Identifiers: ClinVar variation 709967 (VCV000709967.12), dbSNP rs34567090, ClinGen allele CA10509153.